The following is an entry in ClinVar:

NM_000245.4(MET):c.1905T>A (p.Asn635Lys)

Gene: MET (MET proto-oncogene, receptor tyrosine kinase; plus strand). Cytogenetic location: 7q31.2.
Variant type: single nucleotide variant.
Coding change: c.1905T>A on transcript NM_000245.4 (MANE Select); coding-DNA position 1905, T replaced by A.
Protein change: p.Asn635Lys; replaces asparagine 635 with lysine.
Molecular consequence: missense variant.
Genome position (GRCh38, 1-based): chr7:116,757,479, T>A. VCF-style: chr7-116757479-T-A. GRCh37 (hg19) VCF-style: chr7-116397533-T-A.
Other names: c.1905T>A, p.Asn635Lys (NM_001127500.3, NM_001324401.3); c.615T>A, p.Asn205Lys (NM_001324402.2); short protein forms N205K, N635K.
Identifiers: ClinVar variation 1782382 (VCV001782382.2), dbSNP rs1794222447, ClinGen allele CA368979343.

ClinVar aggregate classification (germline): Uncertain significance (1 of 4 stars; one submission).

Conditions:
Hereditary cancer-predisposing syndrome. Also called: Neoplastic Syndromes, Hereditary; Tumor predisposition; Hereditary Cancer Syndrome; Hereditary neoplastic syndrome. Identifiers: Orphanet 140162, MedGen C0027672, MeSH D009386, MONDO:0015356.

Submission:

Ambry Genetics
Classification: Uncertain significance for Hereditary cancer-predisposing syndrome. Last evaluated: 2022-05-19. Review status: criteria provided, single submitter. Criteria: Ambry Variant Classification Scheme 2023. Collection method: clinical testing. Allele origin: germline.
Comment: The p.N635K variant (also known as c.1905T>A), located in coding exon 6 of the MET gene, results from a T to A substitution at nucleotide position 1905. The asparagine at codon 635 is replaced by lysine, an amino acid with similar properties. This amino acid position is conserved. In addition, this alteration is predicted to be tolerated by in silico analysis. Since supporting evidence is limited at this time, the clinical significance of this alteration remains unclear.